The following is an entry in ClinVar:

ClinVar aggregate classification (germline): Likely benign (1 of 4 stars; one submission).

Submission:

CeGaT Center for Human Genetics Tuebingen
Classification: Likely benign. Last evaluated: 2026-06-01. Review status: criteria provided, single submitter. Criteria: CeGaT Center For Human Genetics Tuebingen Variant Classification Criteria Version 2. Collection method: clinical testing. Allele origin: germline. Affected: yes. Observed: 4 variant alleles.
Comment: PRDM9: BP4, BP7

NM_020227.4(PRDM9):c.2272_2274delinsAGA (p.Arg758=)

Gene: PRDM9 (PR/SET domain 9; plus strand). Cytogenetic location: 5p14.2.
Variant type: Indel.
Coding change: c.2272_2274delinsAGA on transcript NM_020227.4 (MANE Select); coding-DNA positions 2272 to 2274, CGC replaced by AGA.
Protein change: p.Arg758=; no amino-acid change (arginine 758 retained).
Molecular consequence: synonymous variant.
Genome position (GRCh38, 1-based): chr5:23,527,360-23,527,362, CGC replaced by AGA. VCF-style: chr5-23527360-CGC-AGA. GRCh37 (hg19) VCF-style: chr5-23527469-CGC-AGA.
Other names: c.2272_2274delinsAGA, p.Arg758= (NM_001376900.1).
Identifiers: ClinVar variation 4874559 (VCV004874559.2).